The following is an entry in ClinVar:

NM_016180.5(SLC45A2):c.328G>C (p.Gly110Arg)

Gene: SLC45A2 (solute carrier family 45 member 2; minus strand). Cytogenetic location: 5p13.2.
Variant type: single nucleotide variant.
Coding change: c.328G>C on transcript NM_016180.5 (MANE Select); coding-DNA position 328, G replaced by C.
Protein change: p.Gly110Arg; replaces glycine 110 with arginine.
Molecular consequence: missense variant.
Genome position (GRCh38, 1-based): chr5:33,984,256, C>G on the plus strand (G>C on the coding strand, the complement: SLC45A2 is on the minus strand). VCF-style: chr5-33984256-C-G. GRCh37 (hg19) VCF-style: chr5-33984361-C-G.
Other names: c.328G>C, p.Gly110Arg (NM_001012509.4, NM_001297417.4); short protein forms G110R.
Identifiers: ClinVar variation 2627253 (VCV002627253.1), dbSNP rs762813061, ClinGen allele CA359397353.
Genomic context (GRCh38, chr5:33,984,256, plus strand): 5'-TACCTGCTACAACAGTAGCCCCATTGAGGTACAGAGCCATGCCCACGAGCATCATGACTC[C>G]CAGGGTGAGGATGTAGGGTCTCCGGCGGCCCCACCTGGACCGGCAGTGGTCGCTGGCCGA-3'
Protein context (NP_057264.4, residues 100-120): GRRRPYILTL[Gly110Arg]VMMLVGMALY

ClinVar aggregate classification (germline): Uncertain significance (1 of 4 stars; one submission).

Submission:

Women's Health and Genetics/Laboratory Corporation of America, LabCorp
Classification: Uncertain significance. Last evaluated: 2023-09-01. Review status: criteria provided, single submitter. Criteria: LabCorp Variant Classification Summary - May 2015. Collection method: clinical testing. Allele origin: germline.
Comment: Variant summary: SLC45A2 c.328G>C (p.Gly110Arg) results in a non-conservative amino acid change in the encoded protein sequence. Five of five in-silico tools predict a damaging effect of the variant on protein function. The variant was absent in 251238 control chromosomes (gnomAD). The available data on variant occurrences in the general population are insufficient to allow any conclusion about variant significance. c.328G>C has been reported in the literature in an individual affected with Oculocutaneous albinism (example: Wei_2015). This report does not provide unequivocal conclusions about association of the variant with Oculocutaneous albinism type 4. To our knowledge, no experimental evidence demonstrating an impact on protein function has been reported. A different variant affecting the same nucleotide and resulting in the same amino acid change (c.328G>A, p.G110R) has been reported in bi-allelic individuals affected with Oculocutaneous albinism (PubMed: 19865097, 31199599). This suggests this residue may play a critical role in protein function. However available evidence is not sufficient to associate c.328G>C (p.Gly110Arg) variant with disease. The following publication has been ascertained in the context of this evaluation (PMID: 26165494). No submitters have cited clinical-significance assessments for this variant to ClinVar after 2014. Based on the evidence outlined above, the variant was classified as uncertain significance.

Literature cited by the submitters: PubMed 26165494.